The following is an entry in ClinVar:

NM_182623.3(FAM131C):c.141C>T (p.Asp47=)

Gene: FAM131C (family with sequence similarity 131 member C; minus strand). Cytogenetic location: 1p36.13.
Variant type: single nucleotide variant.
Coding change: c.141C>T on transcript NM_182623.3 (MANE Select); coding-DNA position 141, C replaced by T.
Protein change: p.Asp47=; no amino-acid change (aspartic acid 47 retained).
Molecular consequence: synonymous variant.
Genome position (GRCh38, 1-based): chr1:16,062,532, G>A on the plus strand (C>T on the coding strand, the complement: FAM131C is on the minus strand). VCF-style: chr1-16062532-G-A. GRCh37 (hg19) VCF-style: chr1-16389027-G-A.
Identifiers: ClinVar variation 2638358 (VCV002638358.24), dbSNP rs201526096, ClinGen allele CA624588.

ClinVar aggregate classification (germline): Likely benign (1 of 4 stars; one submission).

Allele frequency attached by ClinVar (database versions not stated): ESP Exome Variant Server 0.00084; 1000 Genomes Project 30x 0.00187; 1000 Genomes Project 0.00200.
gnomAD v4.1: 6,210 of 1,576,516 alleles (0.39%); highest among the groups gnomAD compares: Non-Finnish European, 0.44%; 10 homozygotes.

Submission:

CeGaT Center for Human Genetics Tuebingen
Classification: Likely benign. Last evaluated: 2022-10-01. Review status: criteria provided, single submitter. Criteria: CeGaT Center For Human Genetics Tuebingen Variant Classification Criteria Version 2. Collection method: clinical testing. Allele origin: germline. Affected: yes. Observed: 1 variant allele.
Comment: FAM131C: BP4, BP7, BS2